The following is an entry in ClinVar:

NM_004560.4(ROR2):c.2234G>A (p.Arg745Gln)

Gene: ROR2 (ROR family WNT receptor 2; minus strand). Cytogenetic location: 9q22.31.
Variant type: single nucleotide variant.
Coding change: c.2234G>A on transcript NM_004560.4 (MANE Select); coding-DNA position 2234, G replaced by A.
Protein change: p.Arg745Gln; replaces arginine 745 with glutamine.
Molecular consequence: missense variant.
Genome position (GRCh38, 1-based): chr9:91,724,260, C>T on the plus strand (G>A on the coding strand, the complement: ROR2 is on the minus strand). VCF-style: chr9-91724260-C-T. GRCh37 (hg19) VCF-style: chr9-94486542-C-T.
Other names: short protein forms R745Q.
Identifiers: ClinVar variation 4740663 (VCV004740663.2).

ClinVar aggregate classification (germline): Uncertain significance. Review status: criteria provided, multiple submitters, no conflicts (2 of 4 stars). 2 submissions from 2 submitters: Uncertain significance (2). Last evaluated 2026-08-01.

gnomAD v4.1: 77 of 1,613,360 alleles (0.0048%); highest among the groups gnomAD compares: East Asian, 0.018%; no homozygotes.

Submissions (2):

CeGaT Center for Human Genetics Tuebingen
Classification: Uncertain significance. Last evaluated: 2026-08-01. Review status: criteria provided, single submitter. Criteria: CeGaT Center For Human Genetics Tuebingen Variant Classification Criteria Version 2. Collection method: clinical testing. Allele origin: germline. Affected: yes. Observed: 1 variant allele.
Comment: ROR2: PM2

Labcorp Genetics (formerly Invitae), Labcorp
Classification: Uncertain significance. Last evaluated: 2025-06-03. Review status: criteria provided, single submitter. Criteria: Invitae Variant Classification Sherloc (09022015). Collection method: clinical testing. Allele origin: germline.
Comment: This sequence change replaces arginine, which is basic and polar, with glutamine, which is neutral and polar, at codon 745 of the ROR2 protein (p.Arg745Gln). This variant is present in population databases (rs778062920, gnomAD 0.03%). This missense change has been observed in individual(s) with ROR2-related conditions (PMID: 37095353). Invitae Evidence Modeling of protein sequence and biophysical properties (such as structural, functional, and spatial information, amino acid conservation, physicochemical variation, residue mobility, and thermodynamic stability) indicates that this missense variant is expected to disrupt ROR2 protein function with a positive predictive value of 80%. In summary, the available evidence is currently insufficient to determine the role of this variant in disease. Therefore, it has been classified as a Variant of Uncertain Significance.

Literature cited by the submitters: PubMed 37095353 (cited by Labcorp Genetics (formerly Invitae), Labcorp).